The following is an entry in ClinVar:

Conditions:
Long QT syndrome 5 (LQT5). Identifiers: Orphanet 101016, Orphanet 768, MedGen C1867904, MONDO:0013372, OMIM 613695.

Submission:

Roden Lab, Vanderbilt University Medical Center
No classification provided (evidence only). Condition: Long QT syndrome 5. Review status: no classification provided. Collection method: in vitro. Allele origin: not applicable. Functional consequence: Effect on ion channel function.
ClinVar note: "not provided" was previously submitted as the classification for the variant. However, the classification appeared to be based only on an observation of functional data so it was converted to no classification on 2025-07-30.

NM_000219.6(KCNE1):c.177G>T (p.Leu59=)

Gene: KCNE1 (potassium voltage-gated channel subfamily E regulatory subunit 1; minus strand). Cytogenetic location: 21q22.12.
Variant type: single nucleotide variant.
Coding change: c.177G>T on transcript NM_000219.6 (MANE Select); coding-DNA position 177, G replaced by T.
Protein change: p.Leu59=; no amino-acid change (leucine 59 retained).
Molecular consequence: synonymous variant.
Genome position (GRCh38, 1-based): chr21:34,449,458, C>A on the plus strand (G>T on the coding strand, the complement: KCNE1 is on the minus strand). VCF-style: chr21-34449458-C-A. GRCh37 (hg19) VCF-style: chr21-35821756-C-A.
Other names: c.177G>T, p.Leu59= (NM_001127668.4, NM_001127669.4, NM_001127670.4 and 4 more transcripts).
Identifiers: ClinVar variation 3374251 (VCV003374251.2).